The following is an entry in ClinVar:

NM_001323289.2(CDKL5):c.2497-10T>G

Gene: CDKL5 (cyclin dependent kinase like 5; plus strand). Cytogenetic location: Xp22.13.
Variant type: single nucleotide variant.
Coding change: c.2497-10T>G on transcript NM_001323289.2 (MANE Select); 10 bases into the intron before coding-DNA position 2497, T replaced by G.
Molecular consequence: intron variant.
Genome position (GRCh38, 1-based): chrX:18,628,361, T>G. VCF-style: chrX-18628361-T-G. GRCh37 (hg19) VCF-style: chrX-18646481-T-G.
Other names: c.2497-10T>G (NM_003159.3, NM_001037343.2).
Identifiers: ClinVar variation 385995 (VCV000385995.1), dbSNP rs1057522389, ClinGen allele CA16608361.
Genomic context (GRCh38, chrX:18,628,361, plus strand): 5'-CCCCCTTCCCTCCCCAGCCTTATGGTCGCTCTAACTTGAATCCTGTGTGCATTCTCATCC[T>G]TTCTTTCAGAGCCAGCCATTAAAATCACTGCGCAAGTTGTTACATCTCTCTTCGGCCTCA-3'

ClinVar aggregate classification (germline): Likely benign (1 of 4 stars; one submission).

Submission:

GeneDx
Classification: Likely benign. Last evaluated: 2016-05-12. Review status: criteria provided, single submitter. Criteria: GeneDx Variant Classification (06012015). Collection method: clinical testing. Allele origin: germline. Affected: yes.
Comment: This variant is considered likely benign or benign based on one or more of the following criteria: it is a conservative change, it occurs at a poorly conserved position in the protein, it is predicted to be benign by multiple in silico algorithms, and/or has population frequency not consistent with disease.